The following is an entry in ClinVar:

NM_015338.6(ASXL1):c.302A>T (p.Glu101Val)

Gene: ASXL1 (ASXL transcriptional regulator 1; plus strand). Cytogenetic location: 20q11.21.
Variant type: single nucleotide variant.
Coding change: c.302A>T on transcript NM_015338.6 (MANE Select); coding-DNA position 302, A replaced by T.
Protein change: p.Glu101Val; replaces glutamic acid 101 with valine.
Molecular consequence: missense variant.
Genome position (GRCh38, 1-based): chr20:32,428,177, A>T. VCF-style: chr20-32428177-A-T. GRCh37 (hg19) VCF-style: chr20-31015980-A-T.
Other names: c.272A>T, p.Glu91Val (NM_001363734.1); short protein forms E101V, E91V.
Identifiers: ClinVar variation 4843645 (VCV004843645.1).

ClinVar aggregate classification (germline): Uncertain significance (1 of 4 stars; one submission).

Conditions:
Inborn genetic diseases. Identifiers: MedGen C0950123, MeSH D030342.

Submission:

Ambry Genetics
Classification: Uncertain significance for Inborn genetic diseases. Last evaluated: 2025-12-21. Review status: criteria provided, single submitter. Criteria: Ambry Variant Classification Scheme 2023. Collection method: clinical testing. Allele origin: germline.
Comment: The p.E101V variant (also known as c.302A>T), located in coding exon 5 of the ASXL1 gene, results from an A to T substitution at nucleotide position 302. The glutamic acid at codon 101 is replaced by valine, an amino acid with dissimilar properties. This amino acid position is conserved. In addition, this alteration is predicted to be tolerated by in silico analysis. Based on the available evidence, the clinical significance of this variant remains unclear.